The following is an entry in ClinVar:

NM_001365536.1(SCN9A):c.488A>T (p.Tyr163Phe)

Gene: SCN9A (sodium voltage-gated channel alpha subunit 9; minus strand). Cytogenetic location: 2q24.3.
Variant type: single nucleotide variant.
Coding change: c.488A>T on transcript NM_001365536.1 (MANE Select); coding-DNA position 488, A replaced by T.
Protein change: p.Tyr163Phe; replaces tyrosine 163 with phenylalanine.
Molecular consequence: missense variant.
Genome position (GRCh38, 1-based): chr2:166,305,900, T>A on the plus strand (A>T on the coding strand, the complement: SCN9A is on the minus strand). VCF-style: chr2-166305900-T-A. GRCh37 (hg19) VCF-style: chr2-167162410-T-A.
Other names: c.488A>T, p.Tyr163Phe (NM_002977.4); short protein forms Y163F.
Identifiers: ClinVar variation 3758942 (VCV003758942.2).
Genomic context (GRCh38, chr2:166,305,900, plus strand): 5'-AAAGTGAATTCTCCTACACAGAAGCCTCTTGCAAGGATTTTTACAAGTGATTCAAAAGTA[T>A]ATATTCCAGTAAAAGTGTACCTAAACACAAGATTCCATTGGGATACTAGATGTGAAAAGA-3'
Protein context (NP_001352465.1, residues 153-173): KNVEYTFTGI[Tyr163Phe]TFESLVKILA

ClinVar aggregate classification (germline): Uncertain significance (1 of 4 stars; one submission).

Conditions:
Neuropathy, hereditary sensory and autonomic, type 2A (HSAN2A). Also called: ACROOSTEOLYSIS, GIACCAI TYPE; ACROOSTEOLYSIS, NEUROGENIC; WNK1-Related HSAN2 (HSAN2A); MORVAN DISEASE; NEUROPATHY, CONGENITAL SENSORY; NEUROPATHY, HEREDITARY SENSORY RADICULAR, AUTOSOMAL RECESSIVE. Identifiers: Orphanet 970, MedGen C2752089, MONDO:0024309, OMIM 201300.
Generalized epilepsy with febrile seizures plus, type 7 (GEFSP7). Also called: GEFS+, TYPE 7. Identifiers: Orphanet 36387, MedGen C2751778, MONDO:0013470, OMIM 613863.

Submission:

Labcorp Genetics (formerly Invitae), Labcorp
Classification: Uncertain significance for Neuropathy, hereditary sensory and autonomic, type 2A; Generalized epilepsy with febrile seizures plus, type 7. Last evaluated: 2024-09-24. Review status: criteria provided, single submitter. Criteria: Invitae Variant Classification Sherloc (09022015). Collection method: clinical testing. Allele origin: germline.
Comment: This sequence change replaces tyrosine, which is neutral and polar, with phenylalanine, which is neutral and non-polar, at codon 163 of the SCN9A protein (p.Tyr163Phe). This variant is not present in population databases (gnomAD no frequency). This variant has not been reported in the literature in individuals affected with SCN9A-related conditions. Invitae Evidence Modeling of protein sequence and biophysical properties (such as structural, functional, and spatial information, amino acid conservation, physicochemical variation, residue mobility, and thermodynamic stability) has been performed for this missense variant. However, the output from this modeling did not meet the statistical confidence thresholds required to predict the impact of this variant on SCN9A protein function. In summary, the available evidence is currently insufficient to determine the role of this variant in disease. Therefore, it has been classified as a Variant of Uncertain Significance.